The following is an entry in ClinVar:

NM_024334.3(TMEM43):c.969C>T (p.Leu323=)

Gene: TMEM43 (transmembrane protein 43; plus strand). Cytogenetic location: 3p25.1.
Variant type: single nucleotide variant.
Coding change: c.969C>T on transcript NM_024334.3 (MANE Select); coding-DNA position 969, C replaced by T.
Protein change: p.Leu323=; no amino-acid change (leucine 323 retained).
Molecular consequence: synonymous variant.
Genome position (GRCh38, 1-based): chr3:14,139,266, C>T. VCF-style: chr3-14139266-C-T. GRCh37 (hg19) VCF-style: chr3-14180766-C-T.
Other names: c.972C>T, p.Leu324= (NM_001407274.1); c.966C>T, p.Leu322= (NM_001407275.1, NM_001407276.1); c.963C>T, p.Leu321= (NM_001407277.1); c.954C>T, p.Leu318= (NM_001407278.1); c.894C>T, p.Leu298= (NM_001407279.1); c.819C>T, p.Leu273= (NM_001407280.1).
Identifiers: ClinVar variation 3386088 (VCV003386088.1).

ClinVar aggregate classification (germline): Likely benign (1 of 4 stars; one submission).

Conditions:
Arrhythmogenic right ventricular dysplasia 5. Also called: Arrhythmogenic Right Ventricular Dysplasia/Cardiomyopathy 5; ARRHYTHMOGENIC RIGHT VENTRICULAR DYSPLASIA, FAMILIAL, 5. Identifiers: MedGen C1858379, MONDO:0011459, OMIM 604400.

Submission:

All of Us Research Program, National Institutes of Health
Classification: Likely benign for Arrhythmogenic right ventricular dysplasia 5. Last evaluated: 2024-08-13. Review status: criteria provided, single submitter. Criteria: ACMG Guidelines, 2015. Collection method: clinical testing. Allele origin: germline. Inheritance: Autosomal dominant inheritance. Observed: 1 variant allele, 1 heterozygote.
Comment: This study involves interpretation of variants in research participants for the purpose of population health screening. Participant phenotype was not available at the time of variant classification. Additional details can be found in publication PMID: 35346344, PMCID: PMC8962531